The following is an entry in ClinVar:

ClinVar aggregate classification (germline): Pathogenic (1 of 4 stars; one submission).

Conditions:
Autosomal recessive limb-girdle muscular dystrophy type R18 (LGMDR18). Also called: Limb-girdle muscular dystrophy, type 2S; MUSCULAR DYSTROPHY, LIMB-GIRDLE, AUTOSOMAL RECESSIVE 18; Autosomal recessive limb-girdle muscular dystrophy type 2S. Identifiers: Orphanet 369840, MedGen C4517996, MONDO:0014144, OMIM 615356.

Submission:

Labcorp Genetics (formerly Invitae), Labcorp
Classification: Pathogenic for Autosomal recessive limb-girdle muscular dystrophy type R18. Last evaluated: 2021-05-31. Review status: criteria provided, single submitter. Criteria: Invitae Variant Classification Sherloc (09022015). Collection method: clinical testing. Allele origin: germline.
Comment: This sequence change creates a premature translational stop signal (p.Glu461*) in the TRAPPC11 gene. It is expected to result in an absent or disrupted protein product. Loss-of-function variants in TRAPPC11 are known to be pathogenic (PMID: 23830518, 26322222). This variant is not present in population databases (ExAC no frequency). This variant has not been reported in the literature in individuals with TRAPPC11-related conditions. For these reasons, this variant has been classified as Pathogenic.

Literature cited by the submitters: PubMed 23830518; PubMed 26322222.

NM_021942.6(TRAPPC11):c.1381G>T (p.Glu461Ter)

Gene: TRAPPC11 (trafficking protein particle complex subunit 11; plus strand). Cytogenetic location: 4q35.1.
Variant type: single nucleotide variant.
Coding change: c.1381G>T on transcript NM_021942.6 (MANE Select); coding-DNA position 1381, G replaced by T.
Protein change: p.Glu461Ter; replaces glutamic acid 461 with a stop codon.
Molecular consequence: nonsense.
Genome position (GRCh38, 1-based): chr4:183,684,319, G>T. VCF-style: chr4-183684319-G-T. GRCh37 (hg19) VCF-style: chr4-184605472-G-T.
Other names: c.1381G>T, p.Glu461Ter (NM_199053.3); short protein forms E461*.
Identifiers: ClinVar variation 1429017 (VCV001429017.6), dbSNP rs2111363477, ClinGen allele CA358866823.